The following is an entry in ClinVar:

ClinVar aggregate classification (germline): Conflicting classifications of pathogenicity. Review status: criteria provided, conflicting classifications (1 of 4 stars). 3 submissions from 3 submitters: Uncertain significance (1); Likely benign (1). 1 of the submissions does not count toward it. Last evaluated 2025-08-27.

Conditions:
ARL6-related disorder. Also called: ARL6-related condition.
Retinitis pigmentosa 55 (RP55). Identifiers: Orphanet 791, MedGen C3150808, MONDO:0013312, OMIM 613575.
Bardet-Biedl syndrome 3 (BBS3). Identifiers: Orphanet 110, MedGen C1859564, MONDO:0010832, OMIM 600151.
Inborn genetic diseases. Identifiers: MedGen C0950123, MeSH D030342.

Allele frequency attached by ClinVar (database versions not stated): ExAC 0.00002.
gnomAD v4.1: 84 of 1,610,340 alleles (0.0052%); highest among the groups gnomAD compares: Non-Finnish European, 0.007%; no homozygotes.

Submissions (3):

Ambry Genetics
Classification: Likely benign for Inborn genetic diseases. Last evaluated: 2025-08-27. Review status: criteria provided, single submitter. Criteria: Ambry Variant Classification Scheme 2023. Collection method: clinical testing. Allele origin: germline.

Labcorp Genetics (formerly Invitae), Labcorp
Classification: Uncertain significance for Retinitis pigmentosa 55; Bardet-Biedl syndrome 3. Last evaluated: 2022-08-21. Review status: criteria provided, single submitter. Criteria: Invitae Variant Classification Sherloc (09022015). Collection method: clinical testing. Allele origin: germline.
Comment: This sequence change affects codon 85 of the ARL6 mRNA. It is a 'silent' change, meaning that it does not change the encoded amino acid sequence of the ARL6 protein. It affects a nucleotide within the consensus splice site. This variant is present in population databases (rs779384199, gnomAD 0.005%). This variant has not been reported in the literature in individuals affected with ARL6-related conditions. Algorithms developed to predict the effect of sequence changes on RNA splicing suggest that this variant is not likely to affect RNA splicing. In summary, the available evidence is currently insufficient to determine the role of this variant in disease. Therefore, it has been classified as a Variant of Uncertain Significance.

PreventionGenetics, part of Exact Sciences
Classification: Likely benign for ARL6-related condition. Last evaluated: 2019-09-12. Review status: no assertion criteria provided. Collection method: clinical testing. Allele origin: germline. Not counted in ClinVar's aggregate classification.
Comment: This variant is classified as likely benign based on ACMG/AMP sequence variant interpretation guidelines (Richards et al. 2015 PMID: 25741868, with internal and published modifications).

NM_001278293.3(ARL6):c.255A>G (p.Lys85=)

Gene: ARL6 (ARF like GTPase 6; plus strand). Cytogenetic location: 3q11.2.
Variant type: single nucleotide variant.
Coding change: c.255A>G on transcript NM_001278293.3 (MANE Select); coding-DNA position 255, A replaced by G.
Protein change: p.Lys85=; no amino-acid change (lysine 85 retained).
Molecular consequence: synonymous variant. On other transcripts: non-coding transcript variant (7).
Genome position (GRCh38, 1-based): chr3:97,784,955, A>G. VCF-style: chr3-97784955-A-G. GRCh37 (hg19) VCF-style: chr3-97503799-A-G.
Other names: c.255A>G (NM_177976.1); c.255A>G, p.Lys85= (NM_001323513.2, NM_001323514.2, NM_032146.5 and 1 more transcripts).
Identifiers: ClinVar variation 2203226 (VCV002203226.3), dbSNP rs779384199, ClinGen allele CA2505916.